The following is an entry in ClinVar:

NM_000492.4(CFTR):c.2173G>A (p.Glu725Lys)

Gene: CFTR (CF transmembrane conductance regulator; plus strand). Cytogenetic location: 7q31.2.
Variant type: single nucleotide variant.
Coding change: c.2173G>A on transcript NM_000492.4 (MANE Select); coding-DNA position 2173, G replaced by A.
Protein change: p.Glu725Lys; replaces glutamic acid 725 with lysine.
Molecular consequence: missense variant.
Genome position (GRCh38, 1-based): chr7:117,592,340, G>A. VCF-style: chr7-117592340-G-A. GRCh37 (hg19) VCF-style: chr7-117232394-G-A.
Other names: short protein forms E725K.
Identifiers: ClinVar variation 53448 (VCV000053448.74), dbSNP rs199791061, ClinGen allele CA326762.

ClinVar aggregate classification (germline): Conflicting classifications of pathogenicity. Review status: criteria provided, conflicting classifications (1 of 4 stars). 15 submissions from 15 submitters: Pathogenic (2); Likely pathogenic (1); Uncertain significance (10). 2 of the submissions do not count toward it. Last evaluated 2026-01-26.

Conditions:
CFTR-related disorder (CFTR-RD). Also called: CFTR-related disorders; CFTR-related condition. Identifiers: MedGen C5924204, MONDO:7770004.
Congenital bilateral aplasia of vas deferens from CFTR mutation (CBAVD). Identifiers: Orphanet 48, MedGen C0403814, MONDO:0010178, OMIM 277180. Disease mechanism: loss of function.
Cystic fibrosis (CF). Also called: MUCOVISCIDOSIS. Identifiers: Orphanet 586, MedGen C0010674, MONDO:0009061, OMIM 219700. Disease mechanism: loss of function.
Hereditary pancreatitis (PCTT). Also called: PRSS1-Related Hereditary Pancreatitis; Hereditary chronic pancreatitis. Identifiers: Orphanet 676, MedGen C0238339, MONDO:0008185, OMIM 167800.
Bronchiectasis with or without elevated sweat chloride 1 (BESC1). Also called: Cystic Fibrosis-Like Syndrome. Identifiers: Orphanet 60033, MedGen C2749757, MONDO:0008887, OMIM 211400.

Allele frequency attached by ClinVar (database versions not stated): TOPMed 0.00008; ExAC 0.00009; gnomAD 0.00009 and 0.00008; gnomAD exomes 0.00010; 1000 Genomes Project 30x 0.00016; 1000 Genomes Project 0.00020.
gnomAD v4.1: 178 of 1,614,062 alleles (0.011%); highest among the groups gnomAD compares: Admixed American, 0.015%; no homozygotes.

Submissions 1 to 8 of 15:

PreventionGenetics, part of Exact Sciences
Classification: Uncertain significance for CFTR-related condition. Last evaluated: 2026-01-26. Review status: criteria provided, single submitter. Criteria: ACMG Guidelines, 2015. Collection method: clinical testing. Allele origin: germline.
Comment: The CFTR c.2173G>A variant is predicted to result in the amino acid substitution p.Glu725Lys. This variant has been reported in patients with the following disorders: cystic fibrosis (des Georges et al. 2004. PubMed ID: 15698946; Kanavakis et al. 2003. PubMed ID: 12752573), disorders of the pancreas (Zou et al. 2018. PubMed ID: 30420730; Grangeia et al. 2018. PubMed ID: 29589582), hypertrypsinemia (Gené et al 2008. PubMed ID: 18306312), Bland-White-Garland syndrome (Hekim et al. 2016. PubMed ID: 27195969) and decreased male fertility (Larriba et al. 2005. PubMed ID: 16128988). However, some of these patients were found to have variants in additional causative genes (Zou et al. 2018. PubMed ID: 30420730; Hekim et al. 2016. PubMed ID: 27195969). The p.Glu725Lys variant is part of the PEST sequence (amino acid 716-734) and is located within the regulatory (R) domain of CFTR. Functional studies have assessed variants within this region including a double variant E725K/E726K (Chen et al. 2002. PubMed ID: 12361483) and the deletion of amino acids 725-733 (Xie et al. 2002. PubMed ID: 11950844). When compared to wildtype protein, neither variant showed a significant impact on CFTR stability or activity, respectively. The p.Glu725Lys variant has not been assayed independently in functional studies. This variant is reported in 0.018% of alleles in individuals of European (Non-Finnish) descent in gnomAD. Although we suspect that this variant may be pathogenic, at this time, the clinical significance of this variant is uncertain due to the absence of conclusive functional and genetic evidence.

Women's Health and Genetics/Laboratory Corporation of America, LabCorp
Classification: Uncertain significance. Last evaluated: 2025-08-12. Review status: criteria provided, single submitter. Criteria: LabCorp Variant Classification Summary - May 2015. Collection method: clinical testing. Allele origin: germline.
Comment: Variant summary: CFTR c.2173G>A (p.Glu725Lys) results in a conservative amino acid change in the encoded protein sequence. Algorithms developed to predict the effect of missense changes on protein structure and function are either unavailable or do not agree on the potential impact of this missense change. The variant allele was found at a frequency of 0.0001 in 251338 control chromosomes. This frequency is not significantly higher than estimated for a pathogenic variant in CFTR causing Cystic Fibrosis (0.0001 vs 0.013), allowing no conclusion about variant significance. c.2173G>A has been reported in the literature as a non-informative genotype (second allele and/or zygosity not specified or second allele of uncertain/questionable pathogenicity) in individuals with atypical and variably expressive sub-phenotypic or sub clinical presentations of Cystic Fibrosis (CF) (example, Gene_2008, Kanavakis_2003, Larriba_2005, Girardet_2015, Pall_2007, Audrezat_2008, Hekim_2016, Grangeia_2018). These reports do not provide unequivocal conclusions about association of the variant with Cystic Fibrosis.Multiple reports of co-occurrences in cis with another pathogenic variant in the CFTR gene (legacy name c.1766+5G>A, also named c.1898+5G>A) with a fully informative genotype in obligate carrier parents and/or CF-chromosomes (Girardet_2015, des Georges_2004) have been reported (ACMG BP2). Additionally, an instance of a co-occurring pathogenic variant in a different gene (SPINK1 c.194+2T>C), in an individual affected with Chronic Pancreatitis (Zou_2018) has also been reported (ACMG BP5). These reports provide supporting evidence for a benign/non-causative role in settings of autosomal recessive Cystic Fibrosis or autosomal dominant SPINK1 associated Pancreatitis. One publication qualitatively reports that double mutants including the variant had no effect on maturation of the CFTR protein (Chen_2002). However, this study does not allow convincing conclusions about the variant effect in isolation. The following publications have been ascertained in the context of this evaluation (PMID: 18687795, 12361483, 18306312, 24762087, 29589582, 27195969, 12752573, 16128988, 17719933, 25735457, 11950844, 30420730, 15698946, 34996830, 11001817, 32734384, 26990548, 27311679, 34426522, 31674704, 28603918, 35626323, 11504857). ClinVar contains an entry for this variant (Variation ID: 53448). Based on the evidence outlined above, the variant was classified as uncertain significance.

Ambry Genetics
Classification: Uncertain significance for Cystic fibrosis. Last evaluated: 2024-07-25. Review status: criteria provided, single submitter. Criteria: Ambry Variant Classification Scheme 2023. Collection method: clinical testing. Allele origin: germline.
Comment: The p.E725K variant (also known as c.2173G>A), located in coding exon 14 of the CFTR gene, results from a G to A substitution at nucleotide position 2173. The glutamic acid at codon 725 is replaced by lysine, an amino acid with similar properties. This variant has been detected in individuals diagnosed with cystic fibrosis (des Georges M et al. J. Cyst. Fibros., 2004 Dec;3:265-72, Claustres M et al. Hum Mutat, 2017 10;38:1297-1315, Kanavakis E et al. Clin Genet, 2003 May;63:400-9). In addition, the alteration has been reported in patients with idiopathic chronic pancreatitis, primary sclerosing cholangitis, suboptimal fertility, and hypertrypsinemia (Zou WB et al. Clin Transl Gastroenterol, 2018 11;9:204, Pall H et al. J Pediatr, 2007 Sep;151:255-9, Larriba S et al. Int J Androl, 2005 Oct;28:284-90, Gen&eacute; GG et al. Hum Mutat, 2008 May;29:738-49).). This amino acid position is not well conserved in available vertebrate species. In addition, this alteration is predicted to be deleterious by in silico analysis. Based on the available evidence, the clinical significance of this variant remains unclear.

Blueprint Genetics
Classification: Uncertain significance. Last evaluated: 2024-07-01. Review status: criteria provided, single submitter. Criteria: ACMG Guidelines, 2015. Collection method: clinical testing. Allele origin: germline.

Labcorp Genetics (formerly Invitae), Labcorp
Classification: Uncertain significance for Cystic fibrosis. Last evaluated: 2024-05-23. Review status: criteria provided, single submitter. Criteria: Invitae Variant Classification Sherloc (09022015). Collection method: clinical testing. Allele origin: germline.
Comment: This sequence change replaces glutamic acid, which is acidic and polar, with lysine, which is basic and polar, at codon 725 of the CFTR protein (p.Glu725Lys). This variant is present in population databases (rs199791061, gnomAD 0.02%). This missense change has been observed in individual(s) with cystic fibrosis (PMID: 12752573, 15698946, 18306312). ClinVar contains an entry for this variant (Variation ID: 53448). Advanced modeling of protein sequence and biophysical properties (such as structural, functional, and spatial information, amino acid conservation, physicochemical variation, residue mobility, and thermodynamic stability) performed at Invitae indicates that this missense variant is not expected to disrupt CFTR protein function with a negative predictive value of 80%. In summary, the available evidence is currently insufficient to determine the role of this variant in disease. Therefore, it has been classified as a Variant of Uncertain Significance.

Fulgent Genetics
Classification: Uncertain significance for Hereditary pancreatitis; Bronchiectasis with or without elevated sweat chloride 1; Cystic fibrosis; Congenital bilateral aplasia of vas deferens from CFTR mutation. Last evaluated: 2024-05-21. Review status: criteria provided, single submitter. Criteria: ACMG Guidelines, 2015. Collection method: clinical testing. Allele origin: germline.

Mayo Clinic Laboratories, Mayo Clinic
Classification: Uncertain significance. Last evaluated: 2022-01-06. Review status: criteria provided, single submitter. Criteria: ACMG Guidelines, 2015. Collection method: clinical testing. Allele origin: germline.

Genome-Nilou Lab
Classification: Likely pathogenic for Cystic fibrosis. Last evaluated: 2021-07-22. Review status: criteria provided, single submitter. Criteria: ACMG Guidelines, 2015. Collection method: clinical testing. Allele origin: germline. Affected: no.